The following is an entry in ClinVar:

NM_006231.4(POLE):c.4953-1G>A

Gene: POLE (DNA polymerase epsilon, catalytic subunit; minus strand). Cytogenetic location: 12q24.33.
Variant type: single nucleotide variant.
Coding change: c.4953-1G>A on transcript NM_006231.4 (MANE Select); the canonical splice acceptor site of the intron before coding-DNA position 4953, G replaced by A.
Molecular consequence: splice acceptor variant.
Genome position (GRCh38, 1-based): chr12:132,642,398, C>T on the plus strand (G>A on the coding strand, the complement: POLE is on the minus strand). VCF-style: chr12-132642398-C-T. GRCh37 (hg19) VCF-style: chr12-133218984-C-T.
Identifiers: ClinVar variation 4718868 (VCV004718868.1).

ClinVar aggregate classification (germline): Likely pathogenic (1 of 4 stars; one submission).

Submission:

Labcorp Genetics (formerly Invitae), Labcorp
Classification: Likely pathogenic. Last evaluated: 2025-05-04. Review status: criteria provided, single submitter. Criteria: Invitae Variant Classification Sherloc (09022015). Collection method: clinical testing. Allele origin: germline.
Comment: This sequence change affects an acceptor splice site in intron 37 of the POLE gene. It is expected to disrupt RNA splicing. Variants that disrupt the donor or acceptor splice site typically lead to a loss of protein function (PMID: 16199547), and loss-of-function variants in POLE are known to be pathogenic (PMID: 23230001, 25948378, 30503519). This variant is not present in population databases (gnomAD no frequency). This variant has not been reported in the literature in individuals affected with POLE-related conditions. Algorithms developed to predict the effect of sequence changes on RNA splicing suggest that this variant may disrupt the consensus splice site. In summary, the currently available evidence indicates that the variant is pathogenic, but additional data are needed to prove that conclusively. Therefore, this variant has been classified as Likely Pathogenic.

Literature cited by the submitters: PubMed 16199547; PubMed 23230001; PubMed 25948378; PubMed 30503519.